The following is an entry in ClinVar:

ClinVar aggregate classification (germline): Likely benign. Review status: criteria provided, multiple submitters, no conflicts (2 of 4 stars). 2 submissions from 2 submitters: Likely benign (2). Last evaluated 2018-06-14.

Allele frequency attached by ClinVar (database versions not stated): 1000 Genomes Project 30x 0.01577; 1000 Genomes Project 0.01597; gnomAD 0.01699 and 0.01786; TOPMed 0.01953.
gnomAD v4.1: 21,197 of 1,261,708 alleles (1.7%); highest among the groups gnomAD compares: Middle Eastern, 7.3%; 286 homozygotes.

Submissions (2):

GeneDx
Classification: Likely benign. Last evaluated: 2018-06-14. Review status: criteria provided, single submitter. Criteria: GeneDx Variant Classification (06012015). Collection method: clinical testing. Allele origin: germline. Affected: yes.
Comment: This variant is considered likely benign or benign based on one or more of the following criteria: it is a conservative change, it occurs at a poorly conserved position in the protein, it is predicted to be benign by multiple in silico algorithms, and/or has population frequency not consistent with disease.

Breakthrough Genomics
Classification: Likely benign. Review status: criteria provided, single submitter. Criteria: ACMG Guidelines, 2015. Collection method: not provided. Allele origin: germline. Inheritance: Autosomal dominant inheritance. Affected: yes.

NM_001851.6(COL9A1):c.1396-87C>T

Gene: COL9A1 (collagen type IX alpha 1 chain; minus strand). Cytogenetic location: 6q13.
Variant type: single nucleotide variant.
Coding change: c.1396-87C>T on transcript NM_001851.6 (MANE Select); 87 bases into the intron before coding-DNA position 1396, C replaced by T.
Molecular consequence: intron variant.
Genome position (GRCh38, 1-based): chr6:70,260,797, G>A on the plus strand (C>T on the coding strand, the complement: COL9A1 is on the minus strand). VCF-style: chr6-70260797-G-A. GRCh37 (hg19) VCF-style: chr6-70970500-G-A.
Other names: c.667-87C>T (NM_001377290.1, NM_078485.4, NM_001377289.1).
Identifiers: ClinVar variation 677879 (VCV000677879.2), dbSNP rs114865373, ClinGen allele CA140872809.